The following is an entry in ClinVar:

ClinVar aggregate classification (germline): Uncertain significance (1 of 4 stars; one submission).

Conditions:
Early-infantile DEE. Also called: Early infantile epileptic encephalopathy; Early infantile epileptic encephalopathy with suppression bursts; Ohtahara syndrome. Identifiers: Orphanet 1934, MedGen C0393706, MONDO:0800491.

Submission:

Labcorp Genetics (formerly Invitae), Labcorp
Classification: Uncertain significance for Early-infantile DEE. Last evaluated: 2022-12-17. Review status: criteria provided, single submitter. Criteria: Invitae Variant Classification Sherloc (09022015). Collection method: clinical testing. Allele origin: germline.
Comment: This sequence change replaces threonine, which is neutral and polar, with asparagine, which is neutral and polar, at codon 533 of the KCNQ2 protein (p.Thr533Asn). This variant is not present in population databases (gnomAD no frequency). This variant has not been reported in the literature in individuals affected with KCNQ2-related conditions. Algorithms developed to predict the effect of missense changes on protein structure and function (SIFT, PolyPhen-2, Align-GVGD) all suggest that this variant is likely to be disruptive. In summary, the available evidence is currently insufficient to determine the role of this variant in disease. Therefore, it has been classified as a Variant of Uncertain Significance.

NM_172107.4(KCNQ2):c.1598C>A (p.Thr533Asn)

Gene: KCNQ2 (potassium voltage-gated channel subfamily Q member 2; minus strand). Cytogenetic location: 20q13.33.
Variant type: single nucleotide variant.
Coding change: c.1598C>A on transcript NM_172107.4 (MANE Select); coding-DNA position 1598, C replaced by A.
Protein change: p.Thr533Asn; replaces threonine 533 with asparagine.
Molecular consequence: missense variant.
Genome position (GRCh38, 1-based): chr20:63,414,121, G>T on the plus strand (C>A on the coding strand, the complement: KCNQ2 is on the minus strand). VCF-style: chr20-63414121-G-T. GRCh37 (hg19) VCF-style: chr20-62045474-G-T.
Other names: c.1544C>A, p.Thr515Asn (NM_001382235.1, NM_172106.3); c.1514C>A, p.Thr505Asn (NM_004518.6); c.1505C>A, p.Thr502Asn (NM_172108.5); short protein forms T502N, T515N, T533N, T505N.
Identifiers: ClinVar variation 2821786 (VCV002821786.3), dbSNP rs2516176141, ClinGen allele CA409645262.